The following is an entry in ClinVar:

ClinVar aggregate classification (germline): Likely benign (1 of 4 stars; one submission).

Conditions:
Familial thoracic aortic aneurysm and aortic dissection (TAAD). Also called: Thoracic aortic aneurysms and dissections. Identifiers: Orphanet 91387, MedGen C4707243, MONDO:0019625.

Allele frequency attached by ClinVar (database versions not stated): gnomAD exomes below 0.00001.
gnomAD v4.1: 5 of 1,614,178 alleles (0.00031%); highest among the groups gnomAD compares: Non-Finnish European, 0.00034%; no homozygotes.

Submission:

All of Us Research Program, National Institutes of Health
Classification: Likely benign for Familial thoracic aortic aneurysm and aortic dissection. Last evaluated: 2023-04-28. Review status: criteria provided, single submitter. Criteria: ACMG Guidelines, 2015. Collection method: clinical testing. Allele origin: germline. Inheritance: Autosomal dominant inheritance. Observed: 1 variant allele, 1 heterozygote.
Comment: This study involves interpretation of variants in research participants for the purpose of population health screening. Participant phenotype was not available at the time of variant classification. Additional details can be found in publication PMID: 35346344, PMCID: PMC8962531

NM_002474.3(MYH11):c.360C>T (p.Leu120=)

Gene: MYH11 (myosin heavy chain 11; minus strand). Cytogenetic location: 16p13.11.
Variant type: single nucleotide variant.
Coding change: c.360C>T on transcript NM_002474.3 (MANE Select); coding-DNA position 360, C replaced by T.
Protein change: p.Leu120=; no amino-acid change (leucine 120 retained).
Molecular consequence: synonymous variant.
Genome position (GRCh38, 1-based): chr16:15,823,397, G>A on the plus strand (C>T on the coding strand, the complement: MYH11 is on the minus strand). VCF-style: chr16-15823397-G-A. GRCh37 (hg19) VCF-style: chr16-15917254-G-A.
Other names: c.360C>T, p.Leu120= (NM_001040113.2, NM_001040114.2, NM_022844.3).
Identifiers: ClinVar variation 3070548 (VCV003070548.1), dbSNP rs2506953877, ClinGen allele CA493791743.